The following is an entry in ClinVar:

NM_032638.5(GATA2):c.134T>C (p.Val45Ala)

Gene: GATA2 (GATA binding protein 2; minus strand). Cytogenetic location: 3q21.3.
Variant type: single nucleotide variant.
Coding change: c.134T>C on transcript NM_032638.5 (MANE Select); coding-DNA position 134, T replaced by C.
Protein change: p.Val45Ala; replaces valine 45 with alanine.
Molecular consequence: missense variant.
Genome position (GRCh38, 1-based): chr3:128,486,898, A>G on the plus strand (T>C on the coding strand, the complement: GATA2 is on the minus strand). VCF-style: chr3-128486898-A-G. GRCh37 (hg19) VCF-style: chr3-128205741-A-G.
Other names: c.134T>C (NM_032638.4); c.134T>C, p.Val45Ala (NM_001145661.2, NM_001145662.1); short protein forms V45A.
Identifiers: ClinVar variation 1345667 (VCV001345667.9), dbSNP rs2107673537, ClinGen allele CA354408724.

ClinVar aggregate classification (germline): Uncertain significance. Review status: criteria provided, multiple submitters, no conflicts (2 of 4 stars). 2 submissions from 2 submitters: Uncertain significance (2). Last evaluated 2025-08-31.

Conditions:
Inborn genetic diseases. Identifiers: MedGen C0950123, MeSH D030342.
Deafness-lymphedema-leukemia syndrome. Also called: Lymphedema, primary, with myelodysplasia; Emberger syndrome. Identifiers: Orphanet 3226, MedGen C3279664, MONDO:0013540, OMIM 614038.
Monocytopenia with susceptibility to infections. Also called: IMMUNODEFICIENCY 21; Dendritic cell, monocyte, B lymphocyte, and natural killer lymphocyte deficiency; MONOCYTOPENIA AND MYCOBACTERIAL INFECTION SYNDROME; MONOCYTOPENIA WITH SUSCEPTIBILITY TO MYCOBACTERIAL, FUNGAL, AND PAPILLOMAVIRUS INFECTIONS AND MYELODYSPLASIA; COMBINED IMMUNODEFICIENCY WITH SUSCEPTIBILITY TO MYCOBACTERIAL, VIRAL, AND FUNGAL INFECTIONS; GATA2 DEFICIENCY. Identifiers: Orphanet 228423, MedGen C3280030, MONDO:0013607, OMIM 614172.

Submissions (2):

Ambry Genetics
Classification: Uncertain significance for Inborn genetic diseases. Last evaluated: 2025-08-31. Review status: criteria provided, single submitter. Criteria: Ambry Variant Classification Scheme 2023. Collection method: clinical testing. Allele origin: germline.
Comment: The p.V45A variant (also known as c.134T>C), located in coding exon 1 of the GATA2 gene, results from a T to C substitution at nucleotide position 134. The valine at codon 45 is replaced by alanine, an amino acid with similar properties. This amino acid position is conserved. In addition, this alteration is predicted to be deleterious by in silico analysis. Based on the available evidence, the clinical significance of this variant remains unclear.

Labcorp Genetics (formerly Invitae), Labcorp
Classification: Uncertain significance for Monocytopenia with susceptibility to infections; Deafness-lymphedema-leukemia syndrome. Last evaluated: 2021-04-16. Review status: criteria provided, single submitter. Criteria: Invitae Variant Classification Sherloc (09022015). Collection method: clinical testing. Allele origin: germline.
Comment: In summary, the available evidence is currently insufficient to determine the role of this variant in disease. Therefore, it has been classified as a Variant of Uncertain Significance. Algorithms developed to predict the effect of missense changes on protein structure and function are either unavailable or do not agree on the potential impact of this missense change (SIFT: "Deleterious"; PolyPhen-2: "Possibly Damaging"; Align-GVGD: "Class C0"). This variant has not been reported in the literature in individuals with GATA2-related conditions. This variant is not present in population databases (ExAC no frequency). This sequence change replaces valine with alanine at codon 45 of the GATA2 protein (p.Val45Ala). The valine residue is moderately conserved and there is a small physicochemical difference between valine and alanine.